The following is an entry in ClinVar:

ClinVar aggregate classification (germline): Uncertain significance (1 of 4 stars; one submission).

Conditions:
Multiple endocrine neoplasia, type 2 (MEN2). Identifiers: Orphanet 653, MedGen C4048306, MONDO:0019003. Disease mechanism: gain of function.

gnomAD v4.1: 1 of 1,612,892 alleles (0.000062%); highest among the groups gnomAD compares: Admixed American, 0.0017%; no homozygotes.

Submission:

Labcorp Genetics (formerly Invitae), Labcorp
Classification: Uncertain significance for Multiple endocrine neoplasia, type 2. Last evaluated: 2025-08-21. Review status: criteria provided, single submitter. Criteria: Invitae Variant Classification Sherloc (09022015). Collection method: clinical testing. Allele origin: germline.
Comment: This sequence change replaces serine, which is neutral and polar, with arginine, which is basic and polar, at codon 829 of the RET protein (p.Ser829Arg). This variant is present in population databases (no rsID available, gnomAD 0.003%). This variant has not been reported in the literature in individuals affected with RET-related conditions. An algorithm developed to predict the effect of missense changes on protein structure and function (PolyPhen-2) suggests that this variant is likely to be disruptive. In summary, the available evidence is currently insufficient to determine the role of this variant in disease. Therefore, it has been classified as a Variant of Uncertain Significance.

NM_020975.6(RET):c.2485A>C (p.Ser829Arg)

Gene: RET (ret proto-oncogene; plus strand). Cytogenetic location: 10q11.21.
Variant type: single nucleotide variant.
Coding change: c.2485A>C on transcript NM_020975.6 (MANE Select); coding-DNA position 2485, A replaced by C.
Protein change: p.Ser829Arg; replaces serine 829 with arginine.
Molecular consequence: missense variant.
Genome position (GRCh38, 1-based): chr10:43,119,623, A>C. VCF-style: chr10-43119623-A-C. GRCh37 (hg19) VCF-style: chr10-43615071-A-C.
Other names: c.1723A>C, p.Ser575Arg (NM_001355216.2); c.2485A>C, p.Ser829Arg (NM_001406743.1, NM_001406744.1, NM_001406759.1 and 2 more transcripts); c.2356A>C, p.Ser786Arg (NM_001406761.1, NM_001406762.1, NM_001406764.1); c.2350A>C, p.Ser784Arg (NM_001406763.1, NM_001406765.1); c.2197A>C, p.Ser733Arg (NM_001406766.1, NM_001406767.1, NM_001406770.1); c.2221A>C, p.Ser741Arg (NM_001406768.1); c.2089A>C, p.Ser697Arg (NM_001406769.1, NM_001406772.1); c.2047A>C, p.Ser683Arg (NM_001406771.1, NM_001406773.1); and 10 more; short protein forms S346R, S394R, S434R, S485R, S683R, S490R, S784R, S786R.
Identifiers: ClinVar variation 4729825 (VCV004729825.1).
Genomic context (GRCh38, chr10:43,119,623, plus strand): 5'-TACGGCTCCCTGCGGGGCTTCCTCCGCGAGAGCCGCAAAGTGGGGCCTGGCTACCTGGGC[A>C]GTGGAGGCAGCCGCAACTCCAGCTCCCTGGACCACCCGGATGAGCGGGCCCTCACCATGG-3'
Protein context (NP_066124.1, residues 819-839): SRKVGPGYLG[Ser829Arg]GGSRNSSSLD